The following is an entry in ClinVar:

ClinVar aggregate classification (germline): Benign. Review status: criteria provided, single submitter (1 of 4 stars). 2 submissions from 2 submitters: Benign (1). 1 of the submissions does not count toward it. Last evaluated 2024-10-29.

Conditions:
PLXNA2-related disorder. Also called: PLXNA2-related condition.

Submissions (2):

Labcorp Genetics (formerly Invitae), Labcorp
Classification: Benign. Last evaluated: 2024-10-29. Review status: criteria provided, single submitter. Criteria: Invitae Variant Classification Sherloc (09022015). Collection method: clinical testing. Allele origin: germline.

PreventionGenetics, part of Exact Sciences
Classification: Likely benign for PLXNA2-related condition. Last evaluated: 2021-09-03. Review status: no assertion criteria provided. Collection method: clinical testing. Allele origin: germline. Not counted in ClinVar's aggregate classification.
Comment: This variant is classified as likely benign based on ACMG/AMP sequence variant interpretation guidelines (Richards et al. 2015 PMID: 25741868, with internal and published modifications).

NM_025179.4(PLXNA2):c.2739-3del

Gene: PLXNA2 (plexin A2; minus strand). Cytogenetic location: 1q32.2.
Variant type: Deletion.
Coding change: c.2739-3del on transcript NM_025179.4 (MANE Select); 3 bases into the intron before coding-DNA position 2739, one base deleted (C; older notation c.2739-3delC).
Molecular consequence: intron variant.
Genome position (GRCh38, 1-based): chr1:208,054,541, G deleted on the plus strand (C on the coding strand, the reverse complement: PLXNA2 is on the minus strand); the first of 4 consecutive G bases (chr1:208,054,541-208,054,544); deleting any one gives the same sequence. VCF-style (leftmost placement, unchanged base first): chr1-208054540-TG-T. GRCh37 (hg19) VCF-style: chr1-208227885-TG-T.
Other names: c.2739-3delC (NM_025179.3).
Identifiers: ClinVar variation 1598350 (VCV001598350.10), dbSNP rs778520289, ClinGen allele CA1373408.
Genomic context (GRCh38, chr1:208,054,540, plus strand): 5'-ACAGGCGTACTGGCCCGGAGGTGGTTCCCACGAGGGCATGGCCCATCTCACAGACAATCC[TG>T]GGGAGAAAGCAAACCTTCTGGTGAGGGACTGGGCAAGGGCTGGCATCGCTGTTCACTTGC-3'